The following is an entry in ClinVar:

NM_000308.4(CTSA):c.1383C>T (p.Thr461=)

Gene: CTSA (cathepsin A; plus strand). Cytogenetic location: 20q13.12.
Variant type: single nucleotide variant.
Coding change: c.1383C>T on transcript NM_000308.4 (MANE Select); coding-DNA position 1383, C replaced by T.
Protein change: p.Thr461=; no amino-acid change (threonine 461 retained).
Molecular consequence: synonymous variant. On other transcripts: non-coding transcript variant (1).
Genome position (GRCh38, 1-based): chr20:45,898,390, C>T. VCF-style: chr20-45898390-C-T. GRCh37 (hg19) VCF-style: chr20-44527029-C-T.
Other names: c.1383C>T, p.Thr461= (NM_001127695.3); c.1332C>T, p.Thr444= (NM_001167594.3).
Identifiers: ClinVar variation 2166087 (VCV002166087.1), dbSNP rs377008749, ClinGen allele CA9883405.

ClinVar aggregate classification (germline): Uncertain significance (1 of 4 stars; one submission).

Conditions:
Combined deficiency of sialidase AND beta galactosidase (GSL). Also called: NEURAMINIDASE DEFICIENCY WITH BETA-GALACTOSIDASE DEFICIENCY; NEURAMINIDASE/BETA-GALACTOSIDASE EXPRESSION; PPCA DEFICIENCY; PROTECTIVE PROTEIN/CATHEPSIN A DEFICIENCY; CATHEPSIN A DEFICIENCY; GOLDBERG SYNDROME. Identifiers: Orphanet 351, MedGen C0268233, MONDO:0009737, OMIM 256540.

Allele frequency attached by ClinVar (database versions not stated): TOPMed 0.00001.
gnomAD v4.1: 15 of 1,614,010 alleles (0.00093%); highest among the groups gnomAD compares: Admixed American, 0.0033%; no homozygotes.

Submission:

Labcorp Genetics (formerly Invitae), Labcorp
Classification: Uncertain significance for Combined deficiency of sialidase AND beta galactosidase. Last evaluated: 2022-09-12. Review status: criteria provided, single submitter. Criteria: Invitae Variant Classification Sherloc (09022015). Collection method: clinical testing. Allele origin: germline.
Comment: This sequence change affects codon 479 of the CTSA mRNA. It is a 'silent' change, meaning that it does not change the encoded amino acid sequence of the CTSA protein. This variant is present in population databases (rs377008749, gnomAD 0.003%). This variant has not been reported in the literature in individuals affected with CTSA-related conditions. Algorithms developed to predict the effect of sequence changes on RNA splicing suggest that this variant may create or strengthen a splice site. In summary, the available evidence is currently insufficient to determine the role of this variant in disease. Therefore, it has been classified as a Variant of Uncertain Significance.